The following is an entry in ClinVar:

NM_000051.4(ATM):c.4004T>A (p.Leu1335Ter)

Gene: ATM (ATM serine/threonine kinase; plus strand). Cytogenetic location: 11q22.3.
Variant type: single nucleotide variant.
Coding change: c.4004T>A on transcript NM_000051.4 (MANE Select); coding-DNA position 4004, T replaced by A.
Protein change: p.Leu1335Ter; replaces leucine 1335 with a stop codon.
Molecular consequence: nonsense.
Genome position (GRCh38, 1-based): chr11:108,287,610, T>A. VCF-style: chr11-108287610-T-A. GRCh37 (hg19) VCF-style: chr11-108158337-T-A.
Other names: c.4004T>A, p.Leu1335Ter (NM_001351834.2); short protein forms L1335*.
Identifiers: ClinVar variation 965960 (VCV000965960.7), dbSNP rs2082558148, ClinGen allele CA382527498.

ClinVar aggregate classification (germline): Pathogenic (1 of 4 stars; one submission).

Conditions:
Ataxia-telangiectasia syndrome (AT). Also called: ATAXIA-TELANGIECTASIA, FRESNO VARIANT; Ataxia-telangiectasia, complementation group E; Ataxia telangiectasia (A-T); LOUIS-BAR SYNDROME; Ataxia-telangiectasia, complementation group D; AT, COMPLEMENTATION GROUP C. Identifiers: Orphanet 100, MedGen C0004135, MONDO:0008840, OMIM 208900.

Submission:

Labcorp Genetics (formerly Invitae), Labcorp
Classification: Pathogenic for Ataxia-telangiectasia syndrome. Last evaluated: 2019-11-12. Review status: criteria provided, single submitter. Criteria: Invitae Variant Classification Sherloc (09022015). Collection method: clinical testing. Allele origin: germline.
Comment: This sequence change creates a premature translational stop signal (p.Leu1335*) in the ATM gene. It is expected to result in an absent or disrupted protein product. This variant is not present in population databases (ExAC no frequency). This variant has not been reported in the literature in individuals with ATM-related conditions. Loss-of-function variants in ATM are known to be pathogenic (PMID: 23807571, 25614872). For these reasons, this variant has been classified as Pathogenic.

Literature cited by the submitters: PubMed 23807571; PubMed 25614872.